The following is an entry in ClinVar:

ClinVar aggregate classification (germline): Uncertain significance (1 of 4 stars; one submission).

Allele frequency attached by ClinVar (database versions not stated): gnomAD exomes below 0.00001; gnomAD 0.00001; TOPMed 0.00002; 1000 Genomes Project 30x 0.00016.
gnomAD v4.1: 2 of 1,612,598 alleles (0.00012%); highest among the groups gnomAD compares: African/African-American, 0.0027%; no homozygotes.

Submission:

Labcorp Genetics (formerly Invitae), Labcorp
Classification: Uncertain significance. Last evaluated: 2021-06-22. Review status: criteria provided, single submitter. Criteria: Invitae Variant Classification Sherloc (09022015). Collection method: clinical testing. Allele origin: germline.
Comment: Algorithms developed to predict the effect of missense changes on protein structure and function are either unavailable or do not agree on the potential impact of this missense change (SIFT: "Deleterious"; PolyPhen-2: "Possibly Damaging"; Align-GVGD: "Class C0"). This variant has not been reported in the literature in individuals with CFAP410-related conditions. This variant is not present in population databases (ExAC no frequency). This sequence change replaces tyrosine with phenylalanine at codon 82 of the CFAP410 protein (p.Tyr82Phe). The tyrosine residue is highly conserved and there is a small physicochemical difference between tyrosine and phenylalanine. In summary, the available evidence is currently insufficient to determine the role of this variant in disease. Therefore, it has been classified as a Variant of Uncertain Significance.

NM_004928.3(CFAP410):c.245A>T (p.Tyr82Phe)

Gene: CFAP410 (cilia and flagella associated protein 410; minus strand). Cytogenetic location: 21q22.3.
Variant type: single nucleotide variant.
Coding change: c.245A>T on transcript NM_004928.3 (MANE Select); coding-DNA position 245, A replaced by T.
Protein change: p.Tyr82Phe; replaces tyrosine 82 with phenylalanine.
Molecular consequence: missense variant.
Genome position (GRCh38, 1-based): chr21:44,333,161, T>A on the plus strand (A>T on the coding strand, the complement: CFAP410 is on the minus strand). VCF-style: chr21-44333161-T-A. GRCh37 (hg19) VCF-style: chr21-45753044-T-A.
Other names: c.122A>T, p.Tyr41Phe (NM_001271442.1); c.245A>T, p.Tyr82Phe (NM_001271440.2, NM_001271441.2); short protein forms Y82F, Y41F.
Identifiers: ClinVar variation 1467591 (VCV001467591.8), dbSNP rs199617249, ClinGen allele CA321784877.